The following is an entry in ClinVar:

ClinVar aggregate classification (germline): Uncertain significance. Review status: criteria provided, multiple submitters, no conflicts (2 of 4 stars). 2 submissions from 2 submitters: Uncertain significance (2). Last evaluated 2024-02-05.

Conditions:
Inborn genetic diseases. Identifiers: MedGen C0950123, MeSH D030342.

Allele frequency attached by ClinVar (database versions not stated): TOPMed 0.00001; ExAC 0.00002.
gnomAD v4.1: 14 of 1,613,956 alleles (0.00087%); highest among the groups gnomAD compares: East Asian, 0.018%; no homozygotes.

Submissions (2):

Ambry Genetics
Classification: Uncertain significance for Inborn genetic diseases. Last evaluated: 2024-02-05. Review status: criteria provided, single submitter. Criteria: Ambry Variant Classification Scheme 2023. Collection method: clinical testing. Allele origin: germline.

Labcorp Genetics (formerly Invitae), Labcorp
Classification: Uncertain significance. Last evaluated: 2023-04-09. Review status: criteria provided, single submitter. Criteria: Invitae Variant Classification Sherloc (09022015). Collection method: clinical testing. Allele origin: germline.
Comment: In summary, the available evidence is currently insufficient to determine the role of this variant in disease. Therefore, it has been classified as a Variant of Uncertain Significance. Advanced modeling of protein sequence and biophysical properties (such as structural, functional, and spatial information, amino acid conservation, physicochemical variation, residue mobility, and thermodynamic stability) performed at Invitae indicates that this missense variant is not expected to disrupt TAB2 protein function. This variant has not been reported in the literature in individuals affected with TAB2-related conditions. This variant is present in population databases (rs775053250, gnomAD 0.02%). This sequence change replaces proline, which is neutral and non-polar, with leucine, which is neutral and non-polar, at codon 260 of the TAB2 protein (p.Pro260Leu).

NM_001292034.3(TAB2):c.779C>T (p.Pro260Leu)

Genes: TAB2 (TGF-beta activated kinase 1 (MAP3K7) binding protein 2; plus strand), LOC126859827 (BRD4-independent group 4 enhancer GRCh37_chr6:149699707-149700906; plus strand). Cytogenetic location: 6q25.1.
Variant type: single nucleotide variant.
Coding change: c.779C>T on transcript NM_001292034.3 (MANE Select); coding-DNA position 779, C replaced by T.
Protein change: p.Pro260Leu; replaces proline 260 with leucine.
Molecular consequence: missense variant.
Genome position (GRCh38, 1-based): chr6:149,378,694, C>T. VCF-style: chr6-149378694-C-T. GRCh37 (hg19) VCF-style: chr6-149699830-C-T.
Other names: c.683C>T, p.Pro228Leu (NM_001292035.3); c.779C>T, p.Pro260Leu (NM_001369506.1, NM_015093.6); c.779C>T (NM_015093.4); short protein forms P228L, P260L.
Identifiers: ClinVar variation 2867936 (VCV002867936.4), dbSNP rs775053250, ClinGen allele CA4041451.